The following is an entry in ClinVar:

NM_001350814.2(GRB10):c.131A>G (p.Asn44Ser)

Gene: GRB10 (growth factor receptor bound protein 10; minus strand). Cytogenetic location: 7p12.1.
Variant type: single nucleotide variant.
Coding change: c.131A>G on transcript NM_001350814.2 (MANE Select); coding-DNA position 131, A replaced by G.
Protein change: p.Asn44Ser; replaces asparagine 44 with serine.
Molecular consequence: missense variant. On other transcripts: 5 prime UTR variant (3), intron variant (3).
Genome position (GRCh38, 1-based): chr7:50,703,829, T>C on the plus strand (A>G on the coding strand, the complement: GRB10 is on the minus strand). VCF-style: chr7-50703829-T-C. GRCh37 (hg19) VCF-style: chr7-50771526-T-C.
Other names: c.131A>G, p.Asn44Ser (NM_001001549.3); c.-44A>G (NM_001001550.3, NM_001001555.3, NM_001350816.3); c.-36+28443A>G (NM_001371008.1); c.254-29171A>G (NM_001350815.2); c.287-29171A>G (NM_001371009.1); short protein forms N44S.
Identifiers: ClinVar variation 3234147 (VCV003234147.20), dbSNP rs533088199, ClinGen allele CA4263062.

ClinVar aggregate classification (germline): Benign (1 of 4 stars; one submission).

Allele frequency attached by ClinVar (database versions not stated): TOPMed 0.00003; gnomAD 0.00005; 1000 Genomes Project 0.00020; gnomAD exomes 0.00020; 1000 Genomes Project 30x 0.00031; ExAC 0.00043.
gnomAD v4.1: 299 of 1,612,510 alleles (0.019%); highest among the groups gnomAD compares: South Asian, 0.26%; 3 homozygotes.

Submission:

CeGaT Center for Human Genetics Tuebingen
Classification: Benign. Last evaluated: 2024-03-01. Review status: criteria provided, single submitter. Criteria: CeGaT Center For Human Genetics Tuebingen Variant Classification Criteria Version 2. Collection method: clinical testing. Allele origin: germline. Affected: yes. Observed: 1 variant allele.
Comment: GRB10: BP4, BS1, BS2